The following is an entry in ClinVar:

NM_001098511.3(KIF2A):c.508C>T (p.Arg170Ter)

Gene: KIF2A (kinesin family member 2A; plus strand). Cytogenetic location: 5q12.1.
Variant type: single nucleotide variant.
Coding change: c.508C>T on transcript NM_001098511.3 (MANE Select); coding-DNA position 508, C replaced by T.
Protein change: p.Arg170Ter; replaces arginine 170 with a stop codon.
Molecular consequence: nonsense.
Genome position (GRCh38, 1-based): chr5:62,353,325, C>T. VCF-style: chr5-62353325-C-T. GRCh37 (hg19) VCF-style: chr5-61649152-C-T.
Other names: c.427C>T, p.Arg143Ter (NM_001243952.2); c.451C>T, p.Arg151Ter (NM_001243953.2); c.508C>T, p.Arg170Ter (NM_004520.5); short protein forms R143*, R170*, R151*.
Identifiers: ClinVar variation 2041504 (VCV002041504.4), dbSNP rs1747947676, ClinGen allele CA359949192.

ClinVar aggregate classification (germline): Uncertain significance (1 of 4 stars; one submission).

Submission:

Labcorp Genetics (formerly Invitae), Labcorp
Classification: Uncertain significance. Last evaluated: 2021-12-13. Review status: criteria provided, single submitter. Criteria: Invitae Variant Classification Sherloc (09022015). Collection method: clinical testing. Allele origin: germline.
Comment: This sequence change creates a premature translational stop signal (p.Arg170*) in the KIF2A gene. It is expected to result in an absent or disrupted protein product. However, the current clinical and genetic evidence is not sufficient to establish whether loss-of-function variants in KIF2A cause disease. This variant is not present in population databases (gnomAD no frequency). This variant has not been reported in the literature in individuals affected with KIF2A-related conditions. In summary, the available evidence is currently insufficient to determine the role of this variant in disease. Therefore, it has been classified as a Variant of Uncertain Significance.